The following is an entry in ClinVar:

ClinVar aggregate classification (germline): Conflicting classifications of pathogenicity. Review status: criteria provided, conflicting classifications (1 of 4 stars). 3 submissions from 3 submitters: Likely pathogenic (1); Uncertain significance (2). Last evaluated 2026-02-10.

Conditions:
Hereditary cancer-predisposing syndrome. Also called: Tumor predisposition; Hereditary Cancer Syndrome; Neoplastic Syndromes, Hereditary; Hereditary neoplastic syndrome. Identifiers: Orphanet 140162, MedGen C0027672, MeSH D009386, MONDO:0015356.
Familial cancer of breast. Also called: Hereditary breast cancer; BREAST CANCER, FAMILIAL; hereditary breast carcinoma. Identifiers: Orphanet 227535, MedGen C0346153, MONDO:0016419, OMIM 114480. Disease mechanism: loss of function.
Ataxia-telangiectasia syndrome (AT). Also called: Ataxia telangiectasia (A-T); LOUIS-BAR SYNDROME; ATAXIA-TELANGIECTASIA, FRESNO VARIANT; Ataxia-telangiectasia; Ataxia-telangiectasia, complementation group E; Ataxia-telangiectasia, complementation group D. Identifiers: Orphanet 100, MedGen C0004135, MONDO:0008840, OMIM 208900.

Allele frequency attached by ClinVar (database versions not stated): gnomAD exomes below 0.00001.

Submissions (3):

Ambry Genetics
Classification: Likely pathogenic for Hereditary cancer-predisposing syndrome. Last evaluated: 2026-02-10. Review status: criteria provided, single submitter. Criteria: Ambry Variant Classification Scheme 2023. Collection method: clinical testing. Allele origin: germline.
Comment: The c.5178-3delC intronic variant, located in intron 33 of the ATM gene, results from a deletion of one nucleotide within intron 33 of the ATM gene. This nucleotide position is highly conserved in available vertebrate species. In silico splice site analysis predicts that this alteration may weaken the native splice acceptor site. RNA studies have demonstrated that this variant results in abnormal splicing in the set of samples tested (Ambry internal data). Based on the majority of available evidence to date, this variant is likely to be pathogenic.

Labcorp Genetics (formerly Invitae), Labcorp
Classification: Uncertain significance for Ataxia-telangiectasia syndrome. Last evaluated: 2025-10-02. Review status: criteria provided, single submitter. Criteria: Invitae Variant Classification Sherloc (09022015). Collection method: clinical testing. Allele origin: germline.
Comment: This sequence change falls in intron 34 of the ATM gene. It does not directly change the encoded amino acid sequence of the ATM protein. It affects a nucleotide within the consensus splice site. This variant is not present in population databases (gnomAD no frequency). This variant has not been reported in the literature in individuals affected with ATM-related conditions. ClinVar contains an entry for this variant (Variation ID: 524427). Variants that disrupt the consensus splice site are a relatively common cause of aberrant splicing (PMID: 17576681, 9536098). Algorithms developed to predict the effect of sequence changes on RNA splicing suggest that this variant may disrupt the consensus splice site. In summary, the available evidence is currently insufficient to determine the role of this variant in disease. Therefore, it has been classified as a Variant of Uncertain Significance.

Baylor Genetics
Classification: Uncertain significance for Familial cancer of breast. Last evaluated: 2023-03-31. Review status: criteria provided, single submitter. Criteria: ACMG Guidelines, 2015. Collection method: clinical testing. Allele origin: unknown.

Literature cited by the submitters: PubMed 17576681 (cited by Labcorp Genetics (formerly Invitae), Labcorp); PubMed 9536098 (cited by Labcorp Genetics (formerly Invitae), Labcorp).

NM_000051.4(ATM):c.5178-3del

Gene: ATM (ATM serine/threonine kinase; plus strand). Cytogenetic location: 11q22.3.
Variant type: Deletion.
Coding change: c.5178-3del on transcript NM_000051.4 (MANE Select); 3 bases into the intron before coding-DNA position 5178, one base deleted (C; older notation c.5178-3delC).
Molecular consequence: intron variant.
Genome position (GRCh38, 1-based): chr11:108,301,645, C deleted. VCF-style (leftmost placement, unchanged base first): chr11-108301644-TC-T. GRCh37 (hg19) VCF-style: chr11-108172371-TC-T.
Other names: c.5178-3del (NM_001351834.2); c.5178-3delC (NM_000051.3).
Identifiers: ClinVar variation 524427 (VCV000524427.8), dbSNP rs1555105575, ClinGen allele CA658797742.